The following is an entry in ClinVar:

NM_014844.5(TECPR2):c.39C>T (p.Phe13=)

Gene: TECPR2 (tectonin beta-propeller repeat containing 2; plus strand). Cytogenetic location: 14q32.31.
Variant type: single nucleotide variant.
Coding change: c.39C>T on transcript NM_014844.5 (MANE Select); coding-DNA position 39, C replaced by T.
Protein change: p.Phe13=; no amino-acid change (phenylalanine 13 retained).
Molecular consequence: synonymous variant.
Genome position (GRCh38, 1-based): chr14:102,376,760, C>T. VCF-style: chr14-102376760-C-T. GRCh37 (hg19) VCF-style: chr14-102843097-C-T.
Other names: c.39C>T (NM_014844.4); c.39C>T, p.Phe13= (NM_001172631.3).
Identifiers: ClinVar variation 1139921 (VCV001139921.11), dbSNP rs1397291493, ClinGen allele CA488190139.

ClinVar aggregate classification (germline): Likely benign. Review status: criteria provided, single submitter (1 of 4 stars). 2 submissions from 2 submitters: Likely benign (1). 1 of the submissions does not count toward it. Last evaluated 2023-08-16.

Conditions:
Hereditary spastic paraplegia 49 (HSAN9). Also called: TECPR2-Related Hereditary Sensory and Autonomic Neuropathy with Intellectual Disability; NEUROPATHY, HEREDITARY SENSORY AND AUTONOMIC, TYPE IX, WITH DEVELOPMENTAL DELAY; Spastic paraplegia 49, autosomal recessive. Identifiers: Orphanet 320385, MedGen C5190860, MONDO:0014016, OMIM 615031.
TECPR2-related disorder. Also called: TECPR2-related condition.

Allele frequency attached by ClinVar (database versions not stated): gnomAD exomes below 0.00001 and 0.00001; gnomAD 0.00001.
gnomAD v4.1: 5 of 1,614,058 alleles (0.00031%); highest among the groups gnomAD compares: Non-Finnish European, 0.00042%; no homozygotes.

Submissions (2):

Labcorp Genetics (formerly Invitae), Labcorp
Classification: Likely benign for Hereditary spastic paraplegia 49. Last evaluated: 2023-08-16. Review status: criteria provided, single submitter. Criteria: Invitae Variant Classification Sherloc (09022015). Collection method: clinical testing. Allele origin: germline.

PreventionGenetics, part of Exact Sciences
Classification: Likely benign for TECPR2-related condition. Last evaluated: 2020-01-08. Review status: no assertion criteria provided. Collection method: clinical testing. Allele origin: germline. Not counted in ClinVar's aggregate classification.
Comment: This variant is classified as likely benign based on ACMG/AMP sequence variant interpretation guidelines (Richards et al. 2015 PMID: 25741868, with internal and published modifications).